The following is an entry in ClinVar:

NM_001267550.2(TTN):c.106567_106574del (p.Gln35523fs)

Genes: TTN (titin; minus strand), TTN-AS1 (TTN antisense RNA 1; plus strand). Cytogenetic location: 2q31.2.
Variant type: Deletion.
Coding change: c.106567_106574del on transcript NM_001267550.2 (MANE Select); coding-DNA positions 106567 to 106574, 8 bases deleted (CAAAAGAC; older notation c.106567_106574delCAAAAGAC).
Protein change: p.Gln35523fs; shifts the reading frame from glutamine 35523.
Molecular consequence: frameshift variant.
Genome position (GRCh38, 1-based): chr2:178,529,177-178,529,184, GTCTTTTG deleted on the plus strand (CAAAAGAC on the coding strand, the reverse complement: TTN is on the minus strand). VCF-style (leftmost placement, unchanged base first): chr2-178529176-AGTCTTTTG-A. GRCh37 (hg19) VCF-style: chr2-179393903-AGTCTTTTG-A.
Other names: c.79372_79379del, p.Gln26458fs (NM_003319.4); c.98863_98870del, p.Gln32955fs (NM_133378.4); c.79747_79754del, p.Gln26583fs (NM_133432.3); c.79948_79955del, p.Gln26650fs (NM_133437.4); c.101644_101651del, p.Gln33882fs (NM_001256850.1); short protein forms Q26458fs, Q26583fs, Q26650fs, Q32955fs, Q33882fs, Q35523fs.
Identifiers: ClinVar variation 3759552 (VCV003759552.2).

ClinVar aggregate classification (germline): Likely pathogenic (1 of 4 stars; one submission).

Conditions:
Dilated cardiomyopathy 1G (CMD1G). Identifiers: Orphanet 154, MedGen C1858763, MONDO:0011400, OMIM 604145.
Autosomal recessive limb-girdle muscular dystrophy type 2J (LGMDR10). Also called: Limb-girdle muscular dystrophy, type 2J; MUSCULAR DYSTROPHY, LIMB-GIRDLE, AUTOSOMAL RECESSIVE 10. Identifiers: Orphanet 140922, MedGen C1837342, MONDO:0012127, OMIM 608807.

Submission:

Labcorp Genetics (formerly Invitae), Labcorp
Classification: Likely pathogenic for Dilated cardiomyopathy 1G; Autosomal recessive limb-girdle muscular dystrophy type 2J. Last evaluated: 2024-10-27. Review status: criteria provided, single submitter. Criteria: Invitae Variant Classification Sherloc (09022015). Collection method: clinical testing. Allele origin: germline.
Comment: This sequence change creates a premature translational stop signal (p.Gln35523Phefs*2) in the TTN gene. While this is not anticipated to result in nonsense mediated decay, it is expected to create a truncated TTN protein. This variant is not present in population databases (gnomAD no frequency). This variant has not been reported in the literature in individuals affected with TTN-related conditions. This variant is located in the M band of TTN (PMID: 25589632). Truncating variants in this region have been previously reported in individuals affected with autosomal dominant or autosomal recessive myopathy and muscular dystrophy (PMID: 18948003, 23975875, 24395473). Truncating variants in this region have also been identified in individuals affected with autosomal dominant dilated cardiomyopathy and/or cardio-related conditions (PMID: 27869827, 32964742, internal data). In summary, the currently available evidence indicates that the variant is pathogenic, but additional data are needed to prove that conclusively. Therefore, this variant has been classified as Likely Pathogenic.

Literature cited by the submitters: PubMed 25589632; PubMed 18948003; PubMed 23975875; PubMed 24395473; PubMed 27869827; PubMed 32964742.